The following is an entry in ClinVar:

ClinVar aggregate classification (germline): Uncertain significance (1 of 4 stars; one submission).

Conditions:
Severe combined immunodeficiency due to DNA-PKcs deficiency. Also called: IMMUNODEFICIENCY 26 WITH NEUROLOGIC ABNORMALITIES; Immunodeficiency 26 with or without neurologic abnormalities. Identifiers: Orphanet 317425, MedGen C4014833, MONDO:0014423, OMIM 615966.

Submission:

Labcorp Genetics (formerly Invitae), Labcorp
Classification: Uncertain significance for Severe combined immunodeficiency due to DNA-PKcs deficiency. Last evaluated: 2023-11-10. Review status: criteria provided, single submitter. Criteria: Invitae Variant Classification Sherloc (09022015). Collection method: clinical testing. Allele origin: germline.
Comment: This sequence change replaces aspartic acid with histidine at codon 3706 of the PRKDC protein (p.Asp3706His). The aspartic acid residue is moderately conserved and there is a moderate physicochemical difference between aspartic acid and histidine. This variant is not present in population databases (gnomAD no frequency). This variant has not been reported in the literature in individuals affected with PRKDC-related conditions. ClinVar contains an entry for this variant (Variation ID: 1411180). Advanced modeling of protein sequence and biophysical properties (such as structural, functional, and spatial information, amino acid conservation, physicochemical variation, residue mobility, and thermodynamic stability) performed at Invitae indicates that this missense variant is expected to disrupt PRKDC protein function with a positive predictive value of 80%. In summary, the available evidence is currently insufficient to determine the role of this variant in disease. Therefore, it has been classified as a Variant of Uncertain Significance.

NM_006904.7(PRKDC):c.11116G>C (p.Asp3706His)

Gene: PRKDC (protein kinase, DNA-activated, catalytic subunit; minus strand). Cytogenetic location: 8q11.21.
Variant type: single nucleotide variant.
Coding change: c.11116G>C on transcript NM_006904.7 (MANE Select); coding-DNA position 11116, G replaced by C.
Protein change: p.Asp3706His; replaces aspartic acid 3706 with histidine.
Molecular consequence: missense variant.
Genome position (GRCh38, 1-based): chr8:47,783,801, C>G on the plus strand (G>C on the coding strand, the complement: PRKDC is on the minus strand). VCF-style: chr8-47783801-C-G. GRCh37 (hg19) VCF-style: chr8-48696362-C-G.
Other names: c.11116G>C, p.Asp3706His (NM_001081640.2); short protein forms D3706H.
Identifiers: ClinVar variation 1411180 (VCV001411180.6), dbSNP rs2154497574, ClinGen allele CA371130779.